The following is an entry in ClinVar:

NM_014908.4(DOLK):c.560G>T (p.Arg187Leu)

Gene: DOLK (dolichol kinase; minus strand). Cytogenetic location: 9q34.11.
Variant type: single nucleotide variant.
Coding change: c.560G>T on transcript NM_014908.4 (MANE Select); coding-DNA position 560, G replaced by T.
Protein change: p.Arg187Leu; replaces arginine 187 with leucine.
Molecular consequence: missense variant.
Genome position (GRCh38, 1-based): chr9:128,946,744, C>A on the plus strand (G>T on the coding strand, the complement: DOLK is on the minus strand). VCF-style: chr9-128946744-C-A. GRCh37 (hg19) VCF-style: chr9-131709023-C-A.
Other names: short protein forms R187L.
Identifiers: ClinVar variation 532844 (VCV000532844.14), dbSNP rs377658203, ClinGen allele CA5271720.

ClinVar aggregate classification (germline): Uncertain significance. Review status: criteria provided, multiple submitters, no conflicts (2 of 4 stars). 4 submissions from 4 submitters: Uncertain significance (4). Last evaluated 2026-03-27.

Conditions:
Cardiovascular phenotype. Identifiers: MedGen CN230736.
DK1-congenital disorder of glycosylation. Also called: DOLK-congenital disorder of glycosylation; Carbohydrate deficient glycoprotein syndrome type 1m; DK1-CDG; CONGENITAL DISORDER OF GLYCOSYLATION, TYPE Im; CDG Im; DK1 DEFICIENCY. Identifiers: Orphanet 91131, MedGen C1835849, MONDO:0012556, OMIM 610768.

Allele frequency attached by ClinVar (database versions not stated): ExAC 0.00002; gnomAD 0.00001; gnomAD exomes 0.00002; TOPMed 0.00003; ESP Exome Variant Server 0.00008.
gnomAD v4.1: 20 of 1,613,830 alleles (0.0012%); highest among the groups gnomAD compares: Admixed American, 0.0033%; no homozygotes.

Submissions (4):

Molecular Diagnostic Laboratory for Inherited Cardiovascular Disease, Montreal Heart Institute
Classification: Uncertain significance for Cardiovascular phenotype. Last evaluated: 2026-03-27. Review status: criteria provided, single submitter. Criteria: ACMG Guidelines, 2015. Collection method: clinical testing. Allele origin: germline. Affected: yes.
Comment: PM2

Ambry Genetics
Classification: Uncertain significance for Cardiovascular phenotype. Last evaluated: 2025-08-31. Review status: criteria provided, single submitter. Criteria: Ambry Variant Classification Scheme 2023. Collection method: clinical testing. Allele origin: germline.
Comment: The p.R187L variant (also known as c.560G>T), located in coding exon 1 of the DOLK gene, results from a G to T substitution at nucleotide position 560. The arginine at codon 187 is replaced by leucine, an amino acid with dissimilar properties. This amino acid position is highly conserved in available vertebrate species. In addition, this alteration is predicted to be deleterious by in silico analysis. Since supporting evidence is limited at this time, the clinical significance of this alteration remains unclear.

Labcorp Genetics (formerly Invitae), Labcorp
Classification: Uncertain significance for DK1-congenital disorder of glycosylation. Last evaluated: 2022-02-10. Review status: criteria provided, single submitter. Criteria: Invitae Variant Classification Sherloc (09022015). Collection method: clinical testing. Allele origin: germline.
Comment: This sequence change replaces arginine, which is basic and polar, with leucine, which is neutral and non-polar, at codon 187 of the DOLK protein (p.Arg187Leu). This variant is present in population databases (rs377658203, gnomAD 0.003%). This variant has not been reported in the literature in individuals affected with DOLK-related conditions. ClinVar contains an entry for this variant (Variation ID: 532844). Algorithms developed to predict the effect of missense changes on protein structure and function (SIFT, PolyPhen-2, Align-GVGD) all suggest that this variant is likely to be tolerated. In summary, the available evidence is currently insufficient to determine the role of this variant in disease. Therefore, it has been classified as a Variant of Uncertain Significance.

Stanford Center for Inherited Cardiovascular Disease, Stanford University
Classification: Uncertain significance. Last evaluated: 2017-10-25. Review status: criteria provided, single submitter. Criteria: ACMG Guidelines, 2015. Collection method: provider interpretation. Allele origin: germline.